The following is an entry in ClinVar:

NM_017999.5(RNF31):c.52G>A (p.Ala18Thr)

Genes: RNF31 (ring finger protein 31; plus strand), LOC121468009 (Sharpr-MPRA regulatory region 11827; plus strand). Cytogenetic location: 14q12.
Variant type: single nucleotide variant.
Coding change: c.52G>A on transcript NM_017999.5 (MANE Select); coding-DNA position 52, G replaced by A.
Protein change: p.Ala18Thr; replaces alanine 18 with threonine.
Molecular consequence: missense variant. On other transcripts: intron variant (1).
Genome position (GRCh38, 1-based): chr14:24,147,750, G>A. VCF-style: chr14-24147750-G-A. GRCh37 (hg19) VCF-style: chr14-24616959-G-A.
Other names: c.-325-226G>A (NM_001310332.2); short protein forms A18T.
Identifiers: ClinVar variation 2971595 (VCV002971595.3), dbSNP rs780772165, ClinGen allele CA7125351.

ClinVar aggregate classification (germline): Uncertain significance (1 of 4 stars; one submission).

Allele frequency attached by ClinVar (database versions not stated): ExAC 0.00005.

Submission:

Labcorp Genetics (formerly Invitae), Labcorp
Classification: Uncertain significance. Last evaluated: 2025-01-08. Review status: criteria provided, single submitter. Criteria: Invitae Variant Classification Sherloc (09022015). Collection method: clinical testing. Allele origin: germline.
Comment: This sequence change replaces alanine, which is neutral and non-polar, with threonine, which is neutral and polar, at codon 18 of the RNF31 protein (p.Ala18Thr). This variant is not present in population databases (gnomAD no frequency). This variant has not been reported in the literature in individuals affected with RNF31-related conditions. ClinVar contains an entry for this variant (Variation ID: 2971595). An algorithm developed to predict the effect of missense changes on protein structure and function outputs the following: PolyPhen-2: "Benign". The threonine amino acid residue is found in multiple mammalian species, which suggests that this missense change does not adversely affect protein function. In summary, the available evidence is currently insufficient to determine the role of this variant in disease. Therefore, it has been classified as a Variant of Uncertain Significance.